The following is an entry in ClinVar:

NM_000077.5(CDKN2A):c.209C>T (p.Pro70Leu)

Gene: CDKN2A (cyclin dependent kinase inhibitor 2A; minus strand). Cytogenetic location: 9p21.3.
Variant type: single nucleotide variant.
Coding change: c.209C>T on transcript NM_000077.5; coding-DNA position 209, C replaced by T.
Protein change: p.Pro70Leu; replaces proline 70 with leucine.
Molecular consequence: missense variant (on NM_000077.6). On other transcripts: synonymous variant (1), 3 prime UTR variant (1).
Genome position (GRCh38, 1-based): chr9:21,971,150, G>A on the plus strand (C>T on the coding strand, the complement: CDKN2A is on the minus strand). VCF-style: chr9-21971150-G-A. GRCh37 (hg19) VCF-style: chr9-21971149-G-A.
Other names: c.209C>T, p.Pro70Leu (NM_000077.6, NM_001195132.2); c.56C>T, p.Pro19Leu (NM_001363763.2); c.252C>T, p.Ala84= (NM_058195.4); c.*132C>T (NM_058197.5); short protein forms P70L, P19L.
Identifiers: ClinVar variation 463490 (VCV000463490.8), dbSNP rs786202575, ClinGen allele CA373086324.
Genomic context (GRCh38, chr9:21,971,150, plus strand): 5'-AAGCCCTCCCGGGCAGCGTCGTGCACGGGTCGGGTGAGAGTGGCGGGGTCGGCGCAGTTG[G>A]GCTCCGCGCCGTGGAGCAGCAGCAGCTCCGCCACTCGGGCGCTGCCCATCATCATGACCT-3'
Protein context (NP_000068.1, residues 60-80): AELLLLHGAE[Pro70Leu]NCADPATLTR

ClinVar aggregate classification (germline): Uncertain significance (1 of 4 stars; one submission).

Conditions:
Familial melanoma. Also called: Hereditary melanoma; Hereditary cutaneous melanoma. Identifiers: Orphanet 618, MedGen C1512419, MONDO:0018961.

Submission:

Labcorp Genetics (formerly Invitae), Labcorp
Classification: Uncertain significance for Familial melanoma. Last evaluated: 2017-01-19. Review status: criteria provided, single submitter. Criteria: Invitae Variant Classification Sherloc (09022015). Collection method: clinical testing. Allele origin: germline.
Comment: This sequence change replaces proline with leucine at codon 70 of the CDKN2A protein (p.Pro70Leu). The proline residue is highly conserved and there is a moderate physicochemical difference between proline and leucine. Algorithms developed to predict the effect of missense changes on protein structure and function (SIFT, PolyPhen-2, Align-GVGD) all suggest that this variant is likely to be disruptive, but these predictions have not been confirmed by published functional studies. This variant is not present in population databases (ExAC no frequency) and has not been reported in the literature in the germline of individuals with a CDKN2A-related disease. In summary, this variant is a novel missense change with uncertain impact on protein function. It has been classified as a Variant of Uncertain Significance.